The following is an entry in ClinVar:

NM_000144.5(FXN):c.482+1G>T

Gene: FXN (frataxin; plus strand). Cytogenetic location: 9q21.11.
Variant type: single nucleotide variant.
Coding change: c.482+1G>T on transcript NM_000144.5 (MANE Select); the canonical splice donor site of the intron after coding-DNA position 482, G replaced by T.
Molecular consequence: splice donor variant. On other transcripts: missense variant (1).
Genome position (GRCh38, 1-based): chr9:69,065,036, G>T. VCF-style: chr9-69065036-G-T. GRCh37 (hg19) VCF-style: chr9-71679952-G-T.
Other names: c.483G>T, p.Arg161Ser (NM_181425.3); short protein forms R161S.
Identifiers: ClinVar variation 3340519 (VCV003340519.1).

ClinVar aggregate classification (germline): Likely pathogenic (1 of 4 stars; one submission).

Conditions:
Friedreich ataxia 1 (FRDA1). Identifiers: Orphanet 95, MedGen C1856689, MONDO:0100340, OMIM 229300.

Submission:

Diagnostics Services (NGS), CSIR - Centre For Cellular And Molecular Biology
Classification: Likely pathogenic for Friedreich ataxia 1. Last evaluated: 2024-08-02. Review status: criteria provided, single submitter. Criteria: ACMG Guidelines, 2015. Collection method: clinical testing. Allele origin: unknown. Affected: yes. Observed: 1 variant allele, 1 heterozygote.
Comment: The c.482+1G>T variant is not present in 1000 Genomes, EVS, ExAC, gnomAD, Indian Exome Database or our in-house exome database. This variant has neither been published in literature in individuals affected with FXN-related conditions nor reported to the clinical databases like ClinVar, Human Genome Mutation Database (HGMD) or OMIM, in any affected individuals. Algorithms developed to predict the effect of sequence changes on RNA splicing suggest that this variant can disrupt the consensus splice site. In-silico pathogenicity prediction programs like HSF3.1, MutationTaster2, CADD, Varsome, Franklin, etc predicted this variant to be likely deleterious by affecting mRNA splicing and possible exon skipping, however these predictions were not confirmed by published translational studies.